The following is an entry in ClinVar:

NM_001282684.2(KCTD17):c.32C>T (p.Pro11Leu)

Genes: KCTD17 (potassium channel tetramerization domain containing 17; plus strand), LOC130067340 (ATAC-STARR-seq lymphoblastoid silent region 13677; plus strand). Cytogenetic location: 22q12.3.
Variant type: single nucleotide variant.
Coding change: c.32C>T on transcript NM_001282684.2 (MANE Select); coding-DNA position 32, C replaced by T.
Protein change: p.Pro11Leu; replaces proline 11 with leucine.
Molecular consequence: missense variant.
Genome position (GRCh38, 1-based): chr22:37,051,792, C>T. VCF-style: chr22-37051792-C-T. GRCh37 (hg19) VCF-style: chr22-37447832-C-T.
Other names: c.32C>T, p.Pro11Leu (NM_001282685.2, NM_001282686.2, NM_024681.4); short protein forms P11L.
Identifiers: ClinVar variation 2321877 (VCV002321877.4), dbSNP rs1433050740, ClinGen allele CA411412526.

ClinVar aggregate classification (germline): Uncertain significance. Review status: criteria provided, multiple submitters, no conflicts (2 of 4 stars). 2 submissions from 2 submitters: Uncertain significance (2). Last evaluated 2026-03-23.

Conditions:
Inborn genetic diseases. Identifiers: MedGen C0950123, MeSH D030342.

Allele frequency attached by ClinVar (database versions not stated): TOPMed 0.00002; gnomAD 0.00002; gnomAD exomes 0.00001; 1000 Genomes Project 30x 0.00031.
gnomAD v4.1: 14 of 1,257,610 alleles (0.0011%); highest among the groups gnomAD compares: Admixed American, 0.0083%; no homozygotes.

Submissions (2):

Ambry Genetics
Classification: Uncertain significance for Inborn genetic diseases. Last evaluated: 2026-03-23. Review status: criteria provided, single submitter. Criteria: Ambry Variant Classification Scheme 2023. Collection method: clinical testing. Allele origin: germline.

Women's Health and Genetics/Laboratory Corporation of America, LabCorp
Classification: Uncertain significance. Last evaluated: 2025-02-05. Review status: criteria provided, single submitter. Criteria: LabCorp Variant Classification Summary - May 2015. Collection method: clinical testing. Allele origin: germline.
Comment: Variant summary: KCTD17 c.32C>T (p.Pro11Leu) results in a non-conservative amino acid change in the encoded protein sequence. Two of four in-silico tools predict a benign effect of the variant on protein function. The frequency data for this variant in gnomAD is considered unreliable, as metrics indicate poor data quality at this position. To our knowledge, no occurrence of c.32C>T in individuals affected with Myoclonic Dystonia 26 and no experimental evidence demonstrating its impact on protein function have been reported. ClinVar contains an entry for this variant (Variation ID: 2321877). Based on the evidence outlined above, the variant was classified as uncertain significance.